The following is an entry in ClinVar:

ClinVar aggregate classification (germline): Pathogenic (1 of 4 stars; one submission).

Submission:

Labcorp Genetics (formerly Invitae), Labcorp
Classification: Pathogenic. Last evaluated: 2022-05-27. Review status: criteria provided, single submitter. Criteria: Invitae Variant Classification Sherloc (09022015). Collection method: clinical testing. Allele origin: germline.
Comment: This sequence change creates a premature translational stop signal (p.Glu349*) in the POLE gene. It is expected to result in an absent or disrupted protein product. Loss-of-function variants in POLE are known to be pathogenic (PMID: 23230001, 25948378, 30503519). This variant is not present in population databases (gnomAD no frequency). This variant has not been reported in the literature in individuals affected with POLE-related conditions. ClinVar contains an entry for this variant (Variation ID: 939423). Algorithms developed to predict the effect of sequence changes on RNA splicing suggest that this variant may create or strengthen a splice site. For these reasons, this variant has been classified as Pathogenic.

Literature cited by the submitters: PubMed 23230001; PubMed 25948378; PubMed 30503519.

NM_006231.4(POLE):c.1045G>T (p.Glu349Ter)

Gene: POLE (DNA polymerase epsilon, catalytic subunit; minus strand). Cytogenetic location: 12q24.33.
Variant type: single nucleotide variant.
Coding change: c.1045G>T on transcript NM_006231.4 (MANE Select); coding-DNA position 1045, G replaced by T.
Protein change: p.Glu349Ter; replaces glutamic acid 349 with a stop codon.
Molecular consequence: nonsense.
Genome position (GRCh38, 1-based): chr12:132,675,796, C>A on the plus strand (G>T on the coding strand, the complement: POLE is on the minus strand). VCF-style: chr12-132675796-C-A. GRCh37 (hg19) VCF-style: chr12-133252382-C-A.
Other names: short protein forms E349*.
Identifiers: ClinVar variation 939423 (VCV000939423.9), dbSNP rs2043036914, ClinGen allele CA387361718.
Genomic context (GRCh38, chr12:132,675,796, plus strand): 5'-AGTCAAAAAAGTCCCCGTTGTAGGTGACCATGATGGTGGGTTTGGTCTCCTGGACGTGTT[C>A]AAACCACCTTTGGATCAGATGAGCCTGAACCCAAGTCACAGCAGTCAGAGGTCTGCTCTT-3'